The following is an entry in ClinVar:

ClinVar aggregate classification (germline): Uncertain significance (1 of 4 stars; one submission).

Conditions:
Fanconi anemia complementation group O. Also called: RAD51C-Related Fanconi Anemia. Identifiers: Orphanet 84, MedGen C3150653, MONDO:0013248, OMIM 613390.

Submission:

Labcorp Genetics (formerly Invitae), Labcorp
Classification: Uncertain significance for Fanconi anemia complementation group O. Last evaluated: 2017-02-03. Review status: criteria provided, single submitter. Criteria: Invitae Variant Classification Sherloc (09022015). Collection method: clinical testing. Allele origin: germline.
Comment: A gross duplication of the genomic region encompassing the full coding sequence of the RAD51C gene has been identified. The boundaries of this event are unknown as the duplication extends beyond the assayed region for this gene and therefore may encompass additional genes. As the precise location of this duplication is unknown, it may be in tandem or it may be located elsewhere in the genome. This variant has not been reported in the literature in an individual with a RAD51C-related disease. Experimental studies and prediction algorithms are not available for this variant, and the functional significance of the duplication of the entire sequence of RAD51C is currently unknown. In summary, the exact genomic location of this variant is unknown and the functional impact of this duplication has not been established. Therefore, it has been classified as a Variant of Uncertain Significance.

NC_000017.10:g.(?_56769999)_(56811589_?)dup

Gene: RAD51C (RAD51 paralog C; plus strand). Cytogenetic location: 17q22.
Variant type: Duplication.
Identifiers: ClinVar variation 471423 (VCV000471423.1).